The following is an entry in ClinVar:

NM_022092.3(CHTF18):c.2448G>A (p.Arg816=)

Gene: CHTF18 (chromosome transmission fidelity factor 18; plus strand). Cytogenetic location: 16p13.3.
Variant type: single nucleotide variant.
Coding change: c.2448G>A on transcript NM_022092.3 (MANE Select); coding-DNA position 2448, G replaced by A.
Protein change: p.Arg816=; no amino-acid change (arginine 816 retained).
Molecular consequence: synonymous variant.
Genome position (GRCh38, 1-based): chr16:796,069, G>A. VCF-style: chr16-796069-G-A. GRCh37 (hg19) VCF-style: chr16-846069-G-A.
Identifiers: ClinVar variation 5040790 (VCV005040790.1).

ClinVar aggregate classification (germline): Benign (1 of 4 stars; one submission).

gnomAD v4.1: 19,003 of 1,602,056 alleles (1.2%); highest among the groups gnomAD compares: Non-Finnish European, 1.4%; 158 homozygotes.

Submission:

CeGaT Center for Human Genetics Tuebingen
Classification: Benign. Last evaluated: 2026-09-01. Review status: criteria provided, single submitter. Criteria: CeGaT Center For Human Genetics Tuebingen Variant Classification Criteria Version 2. Collection method: clinical testing. Allele origin: germline. Affected: yes. Observed: 1 variant allele.
Comment: CHTF18: BP4, BP7, BS1, BS2